The following is an entry in ClinVar:

ClinVar aggregate classification (germline): Uncertain significance (1 of 4 stars; one submission).

Allele frequency attached by ClinVar (database versions not stated): ExAC 0.00001; gnomAD 0.00001; gnomAD exomes 0.00001 and 0.00002; TOPMed 0.00001.
gnomAD v4.1: 36 of 1,613,294 alleles (0.0022%); highest among the groups gnomAD compares: Non-Finnish European, 0.0029%; no homozygotes.

Submission:

GeneDx
Classification: Uncertain significance. Last evaluated: 2022-01-13. Review status: criteria provided, single submitter. Criteria: GeneDx Variant Classification Process June 2021. Collection method: clinical testing. Allele origin: germline. Affected: yes.
Comment: Not observed at significant frequency in large population cohorts (gnomAD); In silico analysis supports that this missense variant does not alter protein structure/function; Has not been previously published as pathogenic or benign to our knowledge

NM_173630.4(RTTN):c.4001C>T (p.Ser1334Phe)

Gene: RTTN (rotatin; minus strand). Cytogenetic location: 18q22.2.
Variant type: single nucleotide variant.
Coding change: c.4001C>T on transcript NM_173630.4 (MANE Select); coding-DNA position 4001, C replaced by T.
Protein change: p.Ser1334Phe; replaces serine 1334 with phenylalanine.
Molecular consequence: missense variant.
Genome position (GRCh38, 1-based): chr18:70,092,707, G>A on the plus strand (C>T on the coding strand, the complement: RTTN is on the minus strand). VCF-style: chr18-70092707-G-A. GRCh37 (hg19) VCF-style: chr18-67759943-G-A.
Other names: c.1265C>T, p.Ser422Phe (NM_001318520.2); short protein forms S1334F, S422F.
Identifiers: ClinVar variation 1696899 (VCV001696899.2), dbSNP rs754523239, ClinGen allele CA8995436.